The following is an entry in ClinVar:

ClinVar aggregate classification (germline): Benign. Review status: criteria provided, multiple submitters, no conflicts (2 of 4 stars). 8 submissions from 6 submitters: Benign (8). Last evaluated 2024-11-28.

Conditions:
Laryngo-onycho-cutaneous syndrome (JEB2C). Also called: LOGIC SYNDROME; EPIDERMOLYSIS BULLOSA, JUNCTIONAL 2C, LARYNGOONYCHOCUTANEOUS; SHABBIR SYNDROME. Identifiers: Orphanet 2407, MedGen C1328355, MONDO:0009513, OMIM 245660.
Junctional epidermolysis bullosa gravis of Herlitz. Also called: JEB-HERLITZ TYPE; EPIDERMOLYSIS BULLOSA, JUNCTIONAL 1B, SEVERE; EPIDERMOLYSIS BULLOSA JUNCTIONALIS, HERLITZ TYPE; EPIDERMOLYSIS BULLOSA, JUNCTIONAL, HERLITZ-PEARSON TYPE; Epidermolysis Bullosa Letalis; Herlitz-type junctional epidermolysis bullosa. Identifiers: Orphanet 79404, MedGen C0079683, MONDO:0009182, OMIM 226700.
Junctional epidermolysis bullosa, non-Herlitz type. Also called: EPIDERMOLYSIS BULLOSA, JUNCTIONAL 1A, INTERMEDIATE; EPIDERMOLYSIS BULLOSA JUNCTIONALIS, DISENTIS TYPE; EPIDERMOLYSIS BULLOSA JUNCTIONALIS, NON-HERLITZ TYPE; EPIDERMOLYSIS BULLOSA JUNCTIONALIS, PROGRESSIVE; EPIDERMOLYSIS BULLOSA JUNCTIONALIS, SEVERE NONLETHAL; COL17A1-Related Junctional Epidermolysis Bullosa. Identifiers: Orphanet 251393, Orphanet 79402, Orphanet 79405, Orphanet 89840, MedGen C0268374, MONDO:0009180, OMIM 226650.

Allele frequency attached by ClinVar (database versions not stated): 1000 Genomes Project 30x 0.61899; 1000 Genomes Project 0.62440; TOPMed 0.64018; gnomAD 0.64176 and 0.64249; ESP Exome Variant Server 0.64954; gnomAD exomes 0.65975 and 0.68870; ExAC 0.66313.
gnomAD v4.1: 1,105,327 of 1,613,790 alleles (68%); highest among the groups gnomAD compares: Middle Eastern, 78%; 381,236 homozygotes.

Submissions (8):

Blueprint Genetics
Classification: Benign. Last evaluated: 2024-11-28. Review status: criteria provided, single submitter. Criteria: ACMG Guidelines, 2015. Collection method: clinical testing. Allele origin: germline.

Labcorp Genetics (formerly Invitae), Labcorp
Classification: Benign. Last evaluated: 2023-12-13. Review status: criteria provided, single submitter. Criteria: Invitae Variant Classification Sherloc (09022015). Collection method: clinical testing. Allele origin: germline.

Genome-Nilou Lab
Classification: Benign for Junctional epidermolysis bullosa, non-Herlitz type. Last evaluated: 2021-07-10. Review status: criteria provided, single submitter. Criteria: ACMG Guidelines, 2015. Collection method: clinical testing. Allele origin: germline. Affected: no.

Genome-Nilou Lab
Classification: Benign for Junctional epidermolysis bullosa gravis of Herlitz. Last evaluated: 2021-07-10. Review status: criteria provided, single submitter. Criteria: ACMG Guidelines, 2015. Collection method: clinical testing. Allele origin: germline. Affected: no.

Genome-Nilou Lab
Classification: Benign for Laryngo-onycho-cutaneous syndrome. Last evaluated: 2021-07-10. Review status: criteria provided, single submitter. Criteria: ACMG Guidelines, 2015. Collection method: clinical testing. Allele origin: germline. Affected: no.

GeneDx
Classification: Benign. Last evaluated: 2018-11-12. Review status: criteria provided, single submitter. Criteria: GeneDx Variant Classification Process June 2021. Collection method: clinical testing. Allele origin: germline. Affected: yes.

Laboratory for Molecular Medicine, Mass General Brigham Personalized Medicine
Classification: Benign. Last evaluated: 2016-03-29. Review status: criteria provided, single submitter. Criteria: LMM Criteria. Collection method: clinical testing. Allele origin: germline.
Comment: Variant identified in a genome or exome case(s) and assessed due to predicted null impact of the variant or pathogenic assertions in the literature or databases. Disclaimer: This variant has not undergone full assessment. The following are preliminary notes: Frequency

Breakthrough Genomics
Classification: Benign. Review status: criteria provided, single submitter. Criteria: ACMG Guidelines, 2015. Collection method: not provided. Allele origin: germline. Inheritance: Autosomal recessive inheritance. Affected: yes.

NM_198129.4(LAMA3):c.2901T>C (p.Ala967=)

Gene: LAMA3 (laminin subunit alpha 3; plus strand). Cytogenetic location: 18q11.2.
Variant type: single nucleotide variant.
Coding change: c.2901T>C on transcript NM_198129.4 (MANE Select); coding-DNA position 2901, T replaced by C.
Protein change: p.Ala967=; no amino-acid change (alanine 967 retained).
Molecular consequence: synonymous variant.
Genome position (GRCh38, 1-based): chr18:23,833,905, T>C. VCF-style: chr18-23833905-T-C. GRCh37 (hg19) VCF-style: chr18-21413869-T-C.
Other names: c.2901T>C, p.Ala967= (NM_001127717.4).
Identifiers: ClinVar variation 403025 (VCV000403025.18), dbSNP rs9962023, ClinGen allele CA8915094.